The following is an entry in ClinVar:

ClinVar aggregate classification (germline): Uncertain significance (1 of 4 stars; one submission).

Submission:

Labcorp Genetics (formerly Invitae), Labcorp
Classification: Uncertain significance. Last evaluated: 2026-01-01. Review status: criteria provided, single submitter. Criteria: Invitae Variant Classification Sherloc (09022015). Collection method: clinical testing. Allele origin: germline.
Comment: This sequence change falls in intron 15 of the DCHS1 gene. It does not directly change the encoded amino acid sequence of the DCHS1 protein. It affects a nucleotide within the consensus splice site. This variant is not present in population databases (gnomAD no frequency). This variant has not been reported in the literature in individuals affected with DCHS1-related conditions. Variants that disrupt the consensus splice site are a relatively common cause of aberrant splicing (PMID: 17576681, 9536098). Algorithms developed to predict the effect of sequence changes on RNA splicing suggest that this variant is not likely to affect RNA splicing. In summary, the available evidence is currently insufficient to determine the role of this variant in disease. Therefore, it has been classified as a Variant of Uncertain Significance.

Literature cited by the submitters: PubMed 17576681; PubMed 9536098.

NM_003737.4(DCHS1):c.6364+4A>G

Gene: DCHS1 (dachsous cadherin-related 1; minus strand). Cytogenetic location: 11p15.4.
Variant type: single nucleotide variant.
Coding change: c.6364+4A>G on transcript NM_003737.4 (MANE Select); 4 bases into the intron after coding-DNA position 6364, A replaced by G.
Molecular consequence: intron variant.
Genome position (GRCh38, 1-based): chr11:6,626,548, T>C on the plus strand (A>G on the coding strand, the complement: DCHS1 is on the minus strand). VCF-style: chr11-6626548-T-C. GRCh37 (hg19) VCF-style: chr11-6647779-T-C.
Identifiers: ClinVar variation 4774824 (VCV004774824.1).